The following is an entry in ClinVar:

ClinVar aggregate classification (germline): Conflicting classifications of pathogenicity. Review status: criteria provided, conflicting classifications (1 of 4 stars). 5 submissions from 5 submitters: Uncertain significance (1); Likely benign (4). Last evaluated 2026-01-28.

Conditions:
Autosomal recessive limb-girdle muscular dystrophy type 2J (LGMDR10). Also called: MUSCULAR DYSTROPHY, LIMB-GIRDLE, AUTOSOMAL RECESSIVE 10; Limb-girdle muscular dystrophy, type 2J. Identifiers: Orphanet 140922, MedGen C1837342, MONDO:0012127, OMIM 608807.
Dilated cardiomyopathy 1G (CMD1G). Identifiers: Orphanet 154, MedGen C1858763, MONDO:0011400, OMIM 604145.

Allele frequency attached by ClinVar (database versions not stated): ExAC 0.00001; gnomAD 0.00001; gnomAD exomes 0.00002 and 0.00006; TOPMed 0.00004.
gnomAD v4.1: 90 of 1,613,696 alleles (0.0056%); highest among the groups gnomAD compares: Non-Finnish European, 0.0074%; no homozygotes.

Submissions (5):

Labcorp Genetics (formerly Invitae), Labcorp
Classification: Likely benign for Dilated cardiomyopathy 1G; Autosomal recessive limb-girdle muscular dystrophy type 2J. Last evaluated: 2026-01-28. Review status: criteria provided, single submitter. Criteria: Invitae Variant Classification Sherloc (09022015). Collection method: clinical testing. Allele origin: germline.

Blueprint Genetics
Classification: Likely benign. Last evaluated: 2023-12-18. Review status: criteria provided, single submitter. Criteria: ACMG Guidelines, 2015. Collection method: clinical testing. Allele origin: germline.

CeGaT Center for Human Genetics Tuebingen
Classification: Likely benign. Last evaluated: 2023-05-01. Review status: criteria provided, single submitter. Criteria: CeGaT Center For Human Genetics Tuebingen Variant Classification Criteria Version 2. Collection method: clinical testing. Allele origin: germline. Affected: yes. Observed: 1 variant allele.
Comment: TTN: BP4, BP7

GeneDx
Classification: Likely benign. Last evaluated: 2019-02-19. Review status: criteria provided, single submitter. Criteria: GeneDx Variant Classification Process June 2021. Collection method: clinical testing. Allele origin: germline. Affected: yes.

Eurofins Ntd Llc (ga)
Classification: Uncertain significance. Last evaluated: 2018-07-19. Review status: criteria provided, single submitter. Criteria: EGL ClinVar v180209 classification definitions. Collection method: clinical testing. Allele origin: germline. Observed: 4 variant alleles, 4 heterozygotes.

NM_001267550.2(TTN):c.17082G>T (p.Leu5694=)

Genes: TTN (titin; minus strand), LOC126806431 (CDK7 strongly-dependent group 2 enhancer GRCh37_chr2:179595719-179596918; plus strand). Cytogenetic location: 2q31.2.
Variant type: single nucleotide variant.
Coding change: c.17082G>T on transcript NM_001267550.2 (MANE Select); coding-DNA position 17082, G replaced by T.
Protein change: p.Leu5694=; no amino-acid change (leucine 5694 retained).
Molecular consequence: synonymous variant. On other transcripts: intron variant (3).
Genome position (GRCh38, 1-based): chr2:178,731,793, C>A on the plus strand (G>T on the coding strand, the complement: TTN is on the minus strand). VCF-style: chr2-178731793-C-A. GRCh37 (hg19) VCF-style: chr2-179596520-C-A.
Other names: c.16131G>T, p.Leu5377= (NM_001256850.1); c.13350G>T, p.Leu4450= (NM_133378.4); c.13282+6289G>T (NM_003319.4); c.13858+6289G>T (NM_133437.4); c.13657+6289G>T (NM_133432.3).
Identifiers: ClinVar variation 287795 (VCV000287795.54), dbSNP rs750996600, ClinGen allele CA2001918.